The following is an entry in ClinVar:

NM_001940.4(ATN1):c.1464GCA[6] (p.Gln494_Gln502del)

Genes: ATN1 (atrophin 1; plus strand), LOC109461484 (atrophin 1 repeat instability region; plus strand). Cytogenetic location: 12p13.31.
Variant type: Microsatellite.
Coding change: c.1464GCA[6] on transcript NM_001940.4 (MANE Select); six copies in a row of the 3-base unit GCA starting at c.1464; the reference has 15 copies in a row; nine copies, 27 bases deleted.
Protein change: p.Gln494_Gln502del.
Molecular consequence: inframe deletion.
Genome position (GRCh38, 1-based): chr12:6,936,749-6,936,775, GCAGCAGCAGCAGCAGCAGCAGCAGCA deleted; deleting any 27 consecutive bases within chr12:6,936,729-6,936,775 gives the same sequence; the position shown is the placement nearest the transcript's 3' end. VCF-style (leftmost placement, unchanged base first): chr12-6936728-ACAGCAGCAGCAGCAGCAGCAGCAGCAG-A. GRCh37 (hg19) VCF-style: chr12-7045891-ACAGCAGCAGCAGCAGCAGCAGCAGCAG-A.
Other names: c.1464GCA[6], p.Gln494_Gln502del (NM_001007026.2).
Identifiers: ClinVar variation 2351599 (VCV002351599.8), dbSNP rs60216939, ClinGen allele CA691359098.

ClinVar aggregate classification (germline): Likely benign. Review status: criteria provided, multiple submitters, no conflicts (2 of 4 stars). 2 submissions from 2 submitters: Likely benign (2). Last evaluated 2026-07-01.

Conditions:
Inborn genetic diseases. Identifiers: MedGen C0950123, MeSH D030342.

Submissions (2):

CeGaT Center for Human Genetics Tuebingen
Classification: Likely benign. Last evaluated: 2026-07-01. Review status: criteria provided, single submitter. Criteria: CeGaT Center For Human Genetics Tuebingen Variant Classification Criteria Version 2. Collection method: clinical testing. Allele origin: germline. Affected: yes. Observed: 2 variant alleles.
Comment: ATN1: BS1

Ambry Genetics
Classification: Likely benign for Inborn genetic diseases. Last evaluated: 2021-10-14. Review status: criteria provided, single submitter. Criteria: Ambry Variant Classification Scheme 2023. Collection method: clinical testing. Allele origin: germline.